The following is an entry in ClinVar:

NM_006516.4(SLC2A1):c.275+1G>A

Gene: SLC2A1 (solute carrier family 2 member 1; minus strand). Cytogenetic location: 1p34.2.
Variant type: single nucleotide variant.
Coding change: c.275+1G>A on transcript NM_006516.4 (MANE Select); the canonical splice donor site of the intron after coding-DNA position 275, G replaced by A.
Molecular consequence: splice donor variant.
Genome position (GRCh38, 1-based): chr1:42,931,045, C>T on the plus strand (G>A on the coding strand, the complement: SLC2A1 is on the minus strand). VCF-style: chr1-42931045-C-T. GRCh37 (hg19) VCF-style: chr1-43396716-C-T.
Identifiers: ClinVar variation 1521448 (VCV001521448.6), dbSNP rs2124450697, ClinGen allele CA339961532.

ClinVar aggregate classification (germline): Pathogenic (1 of 4 stars; one submission).

Conditions:
GLUT1 deficiency syndrome 1, autosomal recessive. Identifiers: MedGen C3149117.

Submission:

Labcorp Genetics (formerly Invitae), Labcorp
Classification: Pathogenic for GLUT1 deficiency syndrome 1, autosomal recessive. Last evaluated: 2023-08-10. Review status: criteria provided, single submitter. Criteria: Invitae Variant Classification Sherloc (09022015). Collection method: clinical testing. Allele origin: germline.
Comment: For these reasons, this variant has been classified as Pathogenic. Algorithms developed to predict the effect of sequence changes on RNA splicing suggest that this variant may disrupt the consensus splice site. ClinVar contains an entry for this variant (Variation ID: 1521448). Disruption of this splice site has been observed in individual(s) with GLUT1-deficiency syndrome (PMID: 30115503). In at least one individual the variant was observed to be de novo. This variant is not present in population databases (gnomAD no frequency). This sequence change affects a donor splice site in intron 3 of the SLC2A1 gene. It is expected to disrupt RNA splicing. Variants that disrupt the donor or acceptor splice site typically lead to a loss of protein function (PMID: 16199547), and loss-of-function variants in SLC2A1 are known to be pathogenic (PMID: 21832227, 26193382).

Literature cited by the submitters: PubMed 30115503; PubMed 16199547; PubMed 21832227; PubMed 26193382.